The following is an entry in ClinVar:

ClinVar aggregate classification (germline): Uncertain significance (1 of 4 stars; one submission).

Conditions:
Baller-Gerold syndrome (BGS). Also called: CRANIOSYNOSTOSIS WITH RADIAL DEFECTS. Identifiers: Orphanet 1225, MedGen C0265308, MONDO:0009039, OMIM 218600.

Allele frequency attached by ClinVar (database versions not stated): TOPMed below 0.00001; gnomAD 0.00001; gnomAD exomes 0.00001; 1000 Genomes Project 30x 0.00016; 1000 Genomes Project 0.00020.
gnomAD v4.1: 8 of 1,612,532 alleles (0.0005%); highest among the groups gnomAD compares: East Asian, 0.0022%; no homozygotes.

Submission:

Labcorp Genetics (formerly Invitae), Labcorp
Classification: Uncertain significance for Baller-Gerold syndrome. Last evaluated: 2023-11-21. Review status: criteria provided, single submitter. Criteria: Invitae Variant Classification Sherloc (09022015). Collection method: clinical testing. Allele origin: germline.
Comment: This sequence change replaces proline, which is neutral and non-polar, with threonine, which is neutral and polar, at codon 964 of the RECQL4 protein (p.Pro964Thr). This variant is present in population databases (rs33972310, gnomAD 0.002%). This variant has not been reported in the literature in individuals affected with RECQL4-related conditions. ClinVar contains an entry for this variant (Variation ID: 946859). Advanced modeling of protein sequence and biophysical properties (such as structural, functional, and spatial information, amino acid conservation, physicochemical variation, residue mobility, and thermodynamic stability) performed at Invitae indicates that this missense variant is expected to disrupt RECQL4 protein function with a positive predictive value of 80%. In summary, the available evidence is currently insufficient to determine the role of this variant in disease. Therefore, it has been classified as a Variant of Uncertain Significance.

NM_004260.4(RECQL4):c.2890C>A (p.Pro964Thr)

Gene: RECQL4 (RecQ like helicase 4; minus strand). Cytogenetic location: 8q24.3.
Variant type: single nucleotide variant.
Coding change: c.2890C>A on transcript NM_004260.4 (MANE Select); coding-DNA position 2890, C replaced by A.
Protein change: p.Pro964Thr; replaces proline 964 with threonine.
Molecular consequence: missense variant.
Genome position (GRCh38, 1-based): chr8:144,512,557, G>T on the plus strand (C>A on the coding strand, the complement: RECQL4 is on the minus strand). VCF-style: chr8-144512557-G-T. GRCh37 (hg19) VCF-style: chr8-145737940-G-T.
Other names: short protein forms P964T.
Identifiers: ClinVar variation 946859 (VCV000946859.7), dbSNP rs33972310, ClinGen allele CA187680585.